The following is an entry in ClinVar:

ClinVar aggregate classification (germline): Uncertain significance (1 of 4 stars; one submission).

gnomAD v4.1: 3 of 1,613,252 alleles (0.00019%); highest among the groups gnomAD compares: Middle Eastern, 0.016%; no homozygotes.

Submission:

Ambry Genetics
Classification: Uncertain significance. Last evaluated: 2026-04-30. Review status: criteria provided, single submitter. Criteria: Ambry Variant Classification Scheme 2023. Collection method: clinical testing. Allele origin: germline.
Comment: The c.2141A>G (p.Q714R) alteration is located in exon 18 (coding exon 18) of the GIGYF1 gene. This alteration results from a A to G substitution at nucleotide position 2141, causing the glutamine (Q) at amino acid position 714 to be replaced by an arginine (R). Based on data from gnomAD, the G allele has an overall frequency of <0.001% (1/250522) total alleles studied. The highest observed frequency was 0.001% (1/113378) of European (non-Finnish) alleles. Based on insufficient or conflicting evidence, the clinical significance of this alteration remains unclear.

NM_001375765.1(GIGYF1):c.2141A>G (p.Gln714Arg)

Gene: GIGYF1 (GRB10 interacting GYF protein 1; minus strand). Cytogenetic location: 7q22.1.
Variant type: single nucleotide variant.
Coding change: c.2141A>G on transcript NM_001375765.1 (MANE Select); coding-DNA position 2141, A replaced by G.
Protein change: p.Gln714Arg; replaces glutamine 714 with arginine.
Molecular consequence: missense variant. On other transcripts: non-coding transcript variant (1).
Genome position (GRCh38, 1-based): chr7:100,683,356, T>C on the plus strand (A>G on the coding strand, the complement: GIGYF1 is on the minus strand). VCF-style: chr7-100683356-T-C. GRCh37 (hg19) VCF-style: chr7-100280979-T-C.
Other names: NM_022574.4:c.2141A>G; c.2141A>G, p.Gln714Arg (NM_001375759.1, NM_001375760.1, NM_001375761.1 and 6 more transcripts); short protein forms Q714R.
Identifiers: ClinVar variation 4858082 (VCV004858082.1).